The following is an entry in ClinVar:

ClinVar aggregate classification (germline): Uncertain significance. Review status: criteria provided, multiple submitters, no conflicts (2 of 4 stars). 2 submissions from 2 submitters: Uncertain significance (2). Last evaluated 2026-08-03.

Conditions:
Inborn genetic diseases. Identifiers: MedGen C0950123, MeSH D030342.

gnomAD v4.1: 1 of 1,614,186 alleles (0.000062%); highest among the groups gnomAD compares: Admixed American, 0.0017%; no homozygotes.

Submissions (2):

Ambry Genetics
Classification: Uncertain significance for Inborn genetic diseases. Last evaluated: 2026-08-03. Review status: criteria provided, single submitter. Criteria: Ambry Variant Classification Scheme 2023. Collection method: clinical testing. Allele origin: germline.

Labcorp Genetics (formerly Invitae), Labcorp
Classification: Uncertain significance. Last evaluated: 2024-10-31. Review status: criteria provided, single submitter. Criteria: Invitae Variant Classification Sherloc (09022015). Collection method: clinical testing. Allele origin: germline.
Comment: This sequence change replaces glutamine, which is neutral and polar, with leucine, which is neutral and non-polar, at codon 127 of the COL11A2 protein (p.Gln127Leu). This variant is present in population databases (no rsID available, gnomAD 0.003%). This variant has not been reported in the literature in individuals affected with COL11A2-related conditions. Invitae Evidence Modeling of protein sequence and biophysical properties (such as structural, functional, and spatial information, amino acid conservation, physicochemical variation, residue mobility, and thermodynamic stability) indicates that this missense variant is not expected to disrupt COL11A2 protein function with a negative predictive value of 95%. In summary, the available evidence is currently insufficient to determine the role of this variant in disease. Therefore, it has been classified as a Variant of Uncertain Significance.

NM_080680.3(COL11A2):c.380A>T (p.Gln127Leu)

Gene: COL11A2 (collagen type XI alpha 2 chain; minus strand). Cytogenetic location: 6p21.32.
Variant type: single nucleotide variant.
Coding change: c.380A>T on transcript NM_080680.3 (MANE Select); coding-DNA position 380, A replaced by T.
Protein change: p.Gln127Leu; replaces glutamine 127 with leucine.
Molecular consequence: missense variant. On other transcripts: 5 prime UTR variant (3), non-coding transcript variant (1).
Genome position (GRCh38, 1-based): chr6:33,189,041, T>A on the plus strand (A>T on the coding strand, the complement: COL11A2 is on the minus strand). VCF-style: chr6-33189041-T-A. GRCh37 (hg19) VCF-style: chr6-33156818-T-A.
Other names: c.380A>T, p.Gln127Leu (NM_001163771.2, NM_001424108.1, NM_080679.3 and 1 more transcripts); c.-467A>T (NM_001424109.1, NM_001424110.1, NM_001424111.1); c.380A>T (NM_080680.2); short protein forms Q127L.
Identifiers: ClinVar variation 3621965 (VCV003621965.3).